The following is an entry in ClinVar:

NM_000747.3(CHRNB1):c.727C>T (p.Arg243Cys)

Gene: CHRNB1 (cholinergic receptor nicotinic beta 1 subunit; plus strand). Cytogenetic location: 17p13.1.
Variant type: single nucleotide variant.
Coding change: c.727C>T on transcript NM_000747.3 (MANE Select); coding-DNA position 727, C replaced by T.
Protein change: p.Arg243Cys; replaces arginine 243 with cysteine.
Molecular consequence: missense variant.
Genome position (GRCh38, 1-based): chr17:7,448,695, C>T. VCF-style: chr17-7448695-C-T. GRCh37 (hg19) VCF-style: chr17-7352014-C-T.
Other names: short protein forms R243C.
Identifiers: ClinVar variation 448999 (VCV000448999.47), dbSNP rs199875082, ClinGen allele CA8347872.

ClinVar aggregate classification (germline): Pathogenic/Likely pathogenic. Review status: criteria provided, multiple submitters, no conflicts (2 of 4 stars). 4 submissions from 4 submitters: Pathogenic (1); Likely pathogenic (3). Last evaluated 2026-01-11.

Conditions:
Congenital myasthenic syndrome 2A. Also called: Myasthenic syndrome, congenital, 2a, slow-channel. Identifiers: Orphanet 590, MedGen C4225374, MONDO:0014581, OMIM 616313.
Congenital myasthenic syndrome 2C. Also called: Myasthenic syndrome, congenital, 2C, associated with acetylcholine receptor deficiency. Identifiers: Orphanet 590, MedGen C4225373, MONDO:0014582, OMIM 616314.

Allele frequency attached by ClinVar (database versions not stated): 1000 Genomes Project 30x 0.00016; 1000 Genomes Project 0.00020; TOPMed 0.00002; ExAC 0.00003.

Submissions (4):

Labcorp Genetics (formerly Invitae), Labcorp
Classification: Pathogenic for Congenital myasthenic syndrome 2A. Last evaluated: 2026-01-11. Review status: criteria provided, single submitter. Criteria: Invitae Variant Classification Sherloc (09022015). Collection method: clinical testing. Allele origin: germline.
Comment: This sequence change replaces arginine, which is basic and polar, with cysteine, which is neutral and slightly polar, at codon 243 of the CHRNB1 protein (p.Arg243Cys). This variant is present in population databases (rs199875082, gnomAD 0.003%). This missense change has been observed in individuals with autosomal recessive congenital myasthenic syndrome (PMID: 17686188; internal data). It has also been observed to segregate with disease in related individuals. This variant is also known as R220C. ClinVar contains an entry for this variant (Variation ID: 448999). Invitae Evidence Modeling of protein sequence and biophysical properties (such as structural, functional, and spatial information, amino acid conservation, physicochemical variation, residue mobility, and thermodynamic stability) indicates that this missense variant is expected to disrupt CHRNB1 protein function with a positive predictive value of 80%. For these reasons, this variant has been classified as Pathogenic.

Variantyx, Inc.
Classification: Likely pathogenic for Congenital myasthenic syndrome 2C. Last evaluated: 2025-12-29. Review status: criteria provided, single submitter. Criteria: Variantyx Assertion Criteria 2022. Collection method: clinical testing. Allele origin: germline. Inheritance: Autosomal recessive inheritance. Affected: yes.
Comment: This is a nonsynonymous variant in the CHRNB1 gene (OMIM: 100710). Pathogenic variants in this gene have been associated with autosomal recessive congenital myasthenic syndrome-2C associated with acetylcholine receptor. Multiple computational algorithms predict a deleterious effect for this variant (REVEL score: 0.937) (PP3). This variant has a 0.0027% maximum allele frequency in non-founder control populations (PM2). Based on the current evidence, this variant is classified as likely pathogenic for autosomal recessive congenital myasthenic syndrome-2C associated with acetylcholine receptor.

GeneDx
Classification: Likely pathogenic. Last evaluated: 2025-08-20. Review status: criteria provided, single submitter. Criteria: GeneDx Variant Classification Process June 2021. Collection method: clinical testing. Allele origin: germline. Affected: yes.
Comment: Reported previously in an abstract using alternate nomenclature (R220C) in an individual with early-onset congenital myasthenia syndrome who also harbored a second variant in the CHRNB1 gene, but it is not known whether the variants occurred on the same (in cis) or on different (in trans) chromosomes (Muller JS et al. (2006) Neuromuscular Disorders. 16 (9-10):661 (06)00226-4/fulltext); In silico analysis supports that this missense variant has a deleterious effect on protein structure/function; This variant is associated with the following publications: (PMID: 17686188, 34426522, 30290857, Mller2006, 40768883)

CeGaT Center for Human Genetics Tuebingen
Classification: Likely pathogenic. Last evaluated: 2022-06-01. Review status: criteria provided, single submitter. Criteria: CeGaT Center For Human Genetics Tuebingen Variant Classification Criteria Version 2. Collection method: clinical testing. Allele origin: germline. Affected: yes. Observed: 1 variant allele.
Comment: CHRNB1: PM3:Strong, PM2

Literature cited by the submitters: PubMed 17686188 (cited by Labcorp Genetics (formerly Invitae), Labcorp and Variantyx, Inc.).